The following is an entry in ClinVar:

NM_004055.5(CAPN5):c.847C>T (p.Arg283Cys)

Gene: CAPN5 (calpain 5; plus strand). Cytogenetic location: 11q13.5.
Variant type: single nucleotide variant.
Coding change: c.847C>T on transcript NM_004055.5 (MANE Select); coding-DNA position 847, C replaced by T.
Protein change: p.Arg283Cys; replaces arginine 283 with cysteine.
Molecular consequence: missense variant.
Genome position (GRCh38, 1-based): chr11:77,115,542, C>T. VCF-style: chr11-77115542-C-T. GRCh37 (hg19) VCF-style: chr11-76826588-C-T.
Other names: short protein forms R283C.
Identifiers: ClinVar variation 1525151 (VCV001525151.8), dbSNP rs372682170, ClinGen allele CA6196572.

ClinVar aggregate classification (germline): Uncertain significance (1 of 4 stars; one submission).

Allele frequency attached by ClinVar (database versions not stated): gnomAD 0.00002 and 0.00003; gnomAD exomes 0.00002; TOPMed 0.00002; ExAC 0.00004; ESP Exome Variant Server 0.00008.
gnomAD v4.1: 32 of 1,612,864 alleles (0.002%); highest among the groups gnomAD compares: African/African-American, 0.0027%; no homozygotes.

Submission:

Labcorp Genetics (formerly Invitae), Labcorp
Classification: Uncertain significance. Last evaluated: 2023-11-27. Review status: criteria provided, single submitter. Criteria: Invitae Variant Classification Sherloc (09022015). Collection method: clinical testing. Allele origin: germline.
Comment: This sequence change replaces arginine, which is basic and polar, with cysteine, which is neutral and slightly polar, at codon 283 of the CAPN5 protein (p.Arg283Cys). This variant is present in population databases (rs372682170, gnomAD 0.005%). This variant has not been reported in the literature in individuals affected with CAPN5-related conditions. ClinVar contains an entry for this variant (Variation ID: 1525151). Advanced modeling of protein sequence and biophysical properties (such as structural, functional, and spatial information, amino acid conservation, physicochemical variation, residue mobility, and thermodynamic stability) performed at Invitae indicates that this missense variant is expected to disrupt CAPN5 protein function with a positive predictive value of 80%. In summary, the available evidence is currently insufficient to determine the role of this variant in disease. Therefore, it has been classified as a Variant of Uncertain Significance.